The following is an entry in ClinVar:

ClinVar aggregate classification (germline): Likely pathogenic (1 of 4 stars; one submission).

Submission:

Labcorp Genetics (formerly Invitae), Labcorp
Classification: Likely pathogenic. Last evaluated: 2021-12-27. Review status: criteria provided, single submitter. Criteria: Invitae Variant Classification Sherloc (09022015). Collection method: clinical testing. Allele origin: germline.
Comment: This sequence change affects a donor splice site in intron 3 of the CYP17A1 gene. It is expected to disrupt RNA splicing. Variants that disrupt the donor or acceptor splice site typically lead to a loss of protein function (PMID: 16199547), and loss-of-function variants in CYP17A1 are known to be pathogenic (PMID: 17192295, 20197673, 24140098). This variant is not present in population databases (gnomAD no frequency). This variant has not been reported in the literature in individuals affected with CYP17A1-related conditions. Algorithms developed to predict the effect of sequence changes on RNA splicing suggest that this variant may disrupt the consensus splice site. In summary, the currently available evidence indicates that the variant is pathogenic, but additional data are needed to prove that conclusively. Therefore, this variant has been classified as Likely Pathogenic.

Literature cited by the submitters: PubMed 16199547; PubMed 17192295; PubMed 20197673; PubMed 24140098.

NM_000102.4(CYP17A1):c.666+1G>A

Gene: CYP17A1 (cytochrome P450 family 17 subfamily A member 1; minus strand). Cytogenetic location: 10q24.32.
Variant type: single nucleotide variant.
Coding change: c.666+1G>A on transcript NM_000102.4 (MANE Select); the canonical splice donor site of the intron after coding-DNA position 666, G replaced by A.
Molecular consequence: splice donor variant.
Genome position (GRCh38, 1-based): chr10:102,834,784, C>T on the plus strand (G>A on the coding strand, the complement: CYP17A1 is on the minus strand). VCF-style: chr10-102834784-C-T. GRCh37 (hg19) VCF-style: chr10-104594541-C-T.
Identifiers: ClinVar variation 2062727 (VCV002062727.4), dbSNP rs2493241750, ClinGen allele CA377939722.